The following is an entry in ClinVar:

ClinVar aggregate classification (germline): Uncertain significance (1 of 4 stars; one submission).

Conditions:
Tumor predisposition syndrome 3 (TPDS3). Also called: Melanoma, cutaneous malignant, susceptibility to, 10; Glioma susceptibility 9; LONG TELOMERE SYNDROME, POT1-RELATED; POT1 Tumor Predisposition. Identifiers: Orphanet 618, MedGen C4014476, MONDO:0014368, OMIM 615848.

Submission:

Labcorp Genetics (formerly Invitae), Labcorp
Classification: Uncertain significance for Tumor predisposition syndrome 3. Last evaluated: 2024-02-19. Review status: criteria provided, single submitter. Criteria: Invitae Variant Classification Sherloc (09022015). Collection method: clinical testing. Allele origin: germline.
Comment: This sequence change replaces glutamic acid, which is acidic and polar, with glutamine, which is neutral and polar, at codon 631 of the POT1 protein (p.Glu631Gln). This variant is not present in population databases (gnomAD no frequency). This variant has not been reported in the literature in individuals affected with POT1-related conditions. An algorithm developed to predict the effect of missense changes on protein structure and function (PolyPhen-2) suggests that this variant is likely to be disruptive. In summary, the available evidence is currently insufficient to determine the role of this variant in disease. Therefore, it has been classified as a Variant of Uncertain Significance.

NM_015450.3(POT1):c.1891G>C (p.Glu631Gln)

Gene: POT1 (protection of telomeres 1; minus strand). Cytogenetic location: 7q31.33.
Variant type: single nucleotide variant.
Coding change: c.1891G>C on transcript NM_015450.3 (MANE Select); coding-DNA position 1891, G replaced by C.
Protein change: p.Glu631Gln; replaces glutamic acid 631 with glutamine.
Molecular consequence: missense variant. On other transcripts: non-coding transcript variant (3).
Genome position (GRCh38, 1-based): chr7:124,823,976, C>G on the plus strand (G>C on the coding strand, the complement: POT1 is on the minus strand). VCF-style: chr7-124823976-C-G. GRCh37 (hg19) VCF-style: chr7-124464030-C-G.
Other names: c.1498G>C, p.Glu500Gln (NM_001042594.2); short protein forms E500Q, E631Q.
Identifiers: ClinVar variation 3641943 (VCV003641943.2).